The following is an entry in ClinVar:

NM_005739.4(RASGRP1):c.2229C>G (p.Leu743=)

Gene: RASGRP1 (RAS guanyl releasing protein 1; minus strand). Cytogenetic location: 15q14.
Variant type: single nucleotide variant.
Coding change: c.2229C>G on transcript NM_005739.4 (MANE Select); coding-DNA position 2229, C replaced by G.
Protein change: p.Leu743=; no amino-acid change (leucine 743 retained).
Molecular consequence: synonymous variant. On other transcripts: intron variant (1).
Genome position (GRCh38, 1-based): chr15:38,494,412, G>C on the plus strand (C>G on the coding strand, the complement: RASGRP1 is on the minus strand). VCF-style: chr15-38494412-G-C. GRCh37 (hg19) VCF-style: chr15-38786613-G-C.
Other names: c.2229C>G (NM_005739.3); c.2124C>G, p.Leu708= (NM_001128602.2); c.1769-3724C>G (NM_001306086.2).
Identifiers: ClinVar variation 2771966 (VCV002771966.5), dbSNP rs2542847072, ClinGen allele CA489686459.

ClinVar aggregate classification (germline): Likely benign. Review status: criteria provided, single submitter (1 of 4 stars). 2 submissions from 2 submitters: Likely benign (1). 1 of the submissions does not count toward it. Last evaluated 2023-10-26.

Conditions:
RASGRP1-related disorder. Also called: RASGRP1-related condition.

Allele frequency attached by ClinVar (database versions not stated): gnomAD exomes below 0.00001.
gnomAD v4.1: 1 of 1,613,978 alleles (0.000062%); highest among the groups gnomAD compares: East Asian, 0.0022%; no homozygotes.

Submissions (2):

Labcorp Genetics (formerly Invitae), Labcorp
Classification: Likely benign. Last evaluated: 2023-10-26. Review status: criteria provided, single submitter. Criteria: Invitae Variant Classification Sherloc (09022015). Collection method: clinical testing. Allele origin: germline.

PreventionGenetics, part of Exact Sciences
Classification: Likely benign for RASGRP1-related condition. Last evaluated: 2023-10-18. Review status: no assertion criteria provided. Collection method: clinical testing. Allele origin: germline. Not counted in ClinVar's aggregate classification.
Comment: This variant is classified as likely benign based on ACMG/AMP sequence variant interpretation guidelines (Richards et al. 2015 PMID: 25741868, with internal and published modifications).